The following is an entry in ClinVar:

ClinVar aggregate classification (germline): Uncertain significance. Review status: criteria provided, multiple submitters, no conflicts (2 of 4 stars). 2 submissions from 2 submitters: Uncertain significance (2). Last evaluated 2025-12-31.

Conditions:
Early-infantile DEE. Also called: Ohtahara syndrome; Early infantile epileptic encephalopathy with suppression bursts; Early infantile epileptic encephalopathy. Identifiers: Orphanet 1934, MedGen C0393706, MONDO:0800491.

Submissions (2):

GeneDx
Classification: Uncertain significance. Last evaluated: 2025-12-31. Review status: criteria provided, single submitter. Criteria: GeneDx Variant Classification Process June 2021. Collection method: clinical testing. Allele origin: germline. Affected: yes.
Comment: Reported as a variant of uncertain significance in a patient with early infantile epileptic encephalopathy in the ClinVar database (PMID: 34867351; ClinVar); In-frame deletion of 3 amino acid(s) and insertion of 1 different amino acid(s) in a non-repeat region; Not observed at significant frequency in large population cohorts (gnomAD); In silico analysis supports a deleterious effect on protein structure/function; This variant is associated with the following publications: (PMID: 34867351)

Labcorp Genetics (formerly Invitae), Labcorp
Classification: Uncertain significance for Early-infantile DEE. Last evaluated: 2020-10-09. Review status: criteria provided, single submitter. Criteria: Invitae Variant Classification Sherloc (09022015). Collection method: clinical testing. Allele origin: germline.
Comment: Experimental studies and prediction algorithms are not available or were not evaluated, and the functional significance of this variant is currently unknown. In summary, the available evidence is currently insufficient to determine the role of this variant in disease. Therefore, it has been classified as a Variant of Uncertain Significance. This variant has not been reported in the literature in individuals with SCN8A-related conditions. This variant is not present in population databases (ExAC no frequency). This variant, c.50_55del, is a complex sequence change that results in the deletion of 3 and insertion of 1 amino acid(s) in the SCN8A protein (p.Phe17_Pro19delinsSer).

NM_001330260.2(SCN8A):c.50_55del (p.Phe17_Pro19delinsSer)

Genes: SCN8A (sodium voltage-gated channel alpha subunit 8; plus strand), LOC114803470 (SCN8A eExon liver enhancer; plus strand). Cytogenetic location: 12q13.13.
Variant type: Deletion.
Coding change: c.50_55del on transcript NM_001330260.2 (MANE Select); coding-DNA positions 50 to 55, 6 bases deleted (TCACCC; older notation c.50_55delTCACCC).
Protein change: p.Phe17_Pro19delinsSer.
Molecular consequence: inframe indel.
Genome position (GRCh38, 1-based): chr12:51,662,867-51,662,872, TCACCC deleted. VCF-style (leftmost placement, unchanged base first): chr12-51662866-TTCACCC-T. GRCh37 (hg19) VCF-style: chr12-52056650-TTCACCC-T.
Other names: c.50_55del, p.Phe17_Pro19delinsSer (NM_001177984.3, NM_001369788.1, NM_014191.4); c.50_55del (NM_014191.3).
Identifiers: ClinVar variation 1063414 (VCV001063414.11), dbSNP rs2138670960, ClinGen allele CA2499221737.